The following is an entry in ClinVar:

NM_000053.4(ATP7B):c.1215_1216delinsTG (p.Ser406Ala)

Gene: ATP7B (ATPase copper transporting beta; minus strand). Cytogenetic location: 13q14.3.
Variant type: Indel.
Coding change: c.1215_1216delinsTG on transcript NM_000053.4 (MANE Select); coding-DNA positions 1215 to 1216, CT replaced by TG.
Protein change: p.Ser406Ala; replaces serine 406 with alanine.
Molecular consequence: missense variant.
Genome position (GRCh38, 1-based): chr13:51,974,004-51,974,005, AG replaced by CA on the plus strand (CT replaced by TG on the coding strand, the reverse complement: ATP7B is on the minus strand). VCF-style: chr13-51974004-AG-CA. GRCh37 (hg19) VCF-style: chr13-52548140-AG-CA.
Other names: c.1215_1216delinsTG, p.Ser406Ala (NM_001005918.3, NM_001330578.2, NM_001330579.2); c.882_883delinsTG, p.Ser295Ala (NM_001243182.2); short protein forms S295A, S406A.
Identifiers: ClinVar variation 1550824 (VCV001550824.8), dbSNP rs2140067853, ClinGen allele CA2573149666.

ClinVar aggregate classification (germline): Conflicting classifications of pathogenicity. Review status: criteria provided, conflicting classifications (1 of 4 stars). 2 submissions from 2 submitters: Uncertain significance (1); Likely benign (1). Last evaluated 2025-06-09.

Conditions:
Wilson disease (WND). Also called: Wilson's disease. Identifiers: Orphanet 905, MedGen C0019202, MONDO:0010200, OMIM 277900. Disease mechanism: loss of function.

Submissions (2):

Color Diagnostics, LLC DBA Color Health
Classification: Uncertain significance for Wilson disease. Last evaluated: 2025-06-09. Review status: criteria provided, single submitter. Criteria: ACMG Guidelines, 2015. Collection method: clinical testing. Allele origin: germline.
Comment: This missense variant replaces serine with alanine at codon 406 of the ATP7B protein. To our knowledge, functional studies have not been reported for this variant. This variant has not been reported in individuals affected with ATP7B-related disorders in the literature. This variant has not been identified in the general population by the Genome Aggregation Database (gnomAD). The available evidence is insufficient to determine the role of this variant in disease conclusively. Therefore, this variant is classified as a Variant of Uncertain Significance.

Labcorp Genetics (formerly Invitae), Labcorp
Classification: Likely benign for Wilson disease. Last evaluated: 2023-07-30. Review status: criteria provided, single submitter. Criteria: Invitae Variant Classification Sherloc (09022015). Collection method: clinical testing. Allele origin: germline.